The following is an entry in ClinVar:

ClinVar aggregate classification (germline): Pathogenic (1 of 4 stars; one submission).

Allele frequency attached by ClinVar (database versions not stated): gnomAD exomes below 0.00001; TOPMed below 0.00001; gnomAD 0.00001.
gnomAD v4.1: 2 of 1,613,978 alleles (0.00012%); highest among the groups gnomAD compares: Non-Finnish European, 0.00017%; no homozygotes.

Submission:

Labcorp Genetics (formerly Invitae), Labcorp
Classification: Pathogenic. Last evaluated: 2023-10-08. Review status: criteria provided, single submitter. Criteria: Invitae Variant Classification Sherloc (09022015). Collection method: clinical testing. Allele origin: germline.
Comment: This sequence change creates a premature translational stop signal (p.Gln364*) in the TBCE gene. It is expected to result in an absent or disrupted protein product. Loss-of-function variants in TBCE are known to be pathogenic (PMID: 27666369, 34134906, 34356170). This variant is not present in population databases (gnomAD no frequency). This variant has not been reported in the literature in individuals affected with TBCE-related conditions. For these reasons, this variant has been classified as Pathogenic.

Literature cited by the submitters: PubMed 27666369; PubMed 34134906; PubMed 34356170.

NM_003193.5(TBCE):c.1090C>T (p.Gln364Ter)

Gene: TBCE (tubulin folding cofactor E; plus strand). Cytogenetic location: 1q42.3.
Variant type: single nucleotide variant.
Coding change: c.1090C>T on transcript NM_003193.5 (MANE Select); coding-DNA position 1090, C replaced by T.
Protein change: p.Gln364Ter; replaces glutamine 364 with a stop codon.
Molecular consequence: nonsense.
Genome position (GRCh38, 1-based): chr1:235,437,448, C>T. VCF-style: chr1-235437448-C-T. GRCh37 (hg19) VCF-style: chr1-235600763-C-T.
Other names: c.1090C>T, p.Gln364Ter (NM_001079515.3); c.1243C>T, p.Gln415Ter (NM_001287801.2); c.751C>T, p.Gln251Ter (NM_001287802.2); short protein forms Q251*, Q415*, Q364*.
Identifiers: ClinVar variation 2803503 (VCV002803503.3), dbSNP rs1681536460, ClinGen allele CA344942905.